The following is an entry in ClinVar:

NM_001001344.3(ATP2B3):c.1921G>A (p.Asp641Asn)

Gene: ATP2B3 (ATPase plasma membrane Ca2+ transporting 3; plus strand). Cytogenetic location: Xq28.
Variant type: single nucleotide variant.
Coding change: c.1921G>A on transcript NM_001001344.3 (MANE Select); coding-DNA position 1921, G replaced by A.
Protein change: p.Asp641Asn; replaces aspartic acid 641 with asparagine.
Molecular consequence: missense variant.
Genome position (GRCh38, 1-based): chrX:153,553,132, G>A. VCF-style: chrX-153553132-G-A. GRCh37 (hg19) VCF-style: chrX-152818590-G-A.
Other names: c.1921G>A, p.Asp641Asn (NM_001388360.1, NM_001388361.1, NM_001388362.1 and 1 more transcripts); c.1879G>A, p.Asp627Asn (NM_001410708.1); short protein forms D627N, D641N.
Identifiers: ClinVar variation 2406450 (VCV002406450.26), dbSNP rs139853349, ClinGen allele CA10547844.
Genomic context (GRCh38, chrX:153,553,132, plus strand): 5'-GGCTTTCGGCCTCGGGACCGGGACGACATGGTGAGGAAGATCATCGAGCCGATGGCTTGC[G>A]ATGGCCTCCGCACCATCTGCATCGCCTACCGGGACTTCTCTGCAGGCCAGGAGCCCGACT-3'
Protein context (NP_001001344.1, residues 631-651): VRKIIEPMAC[Asp641Asn]GLRTICIAYR

ClinVar aggregate classification (germline): Likely benign. Review status: criteria provided, multiple submitters, no conflicts (2 of 4 stars). 2 submissions from 2 submitters: Likely benign (2). Last evaluated 2023-03-01.

Conditions:
Inborn genetic diseases. Identifiers: MedGen C0950123, MeSH D030342.

Allele frequency attached by ClinVar (database versions not stated): gnomAD 0.00023; TOPMed 0.00023; ESP Exome Variant Server 0.00028; ExAC 0.00034.
gnomAD v4.1: 349 of 1,209,137 alleles (0.029%); highest among the groups gnomAD compares: South Asian, 0.12%; no homozygotes.

Submissions (2):

CeGaT Center for Human Genetics Tuebingen
Classification: Likely benign. Last evaluated: 2023-03-01. Review status: criteria provided, single submitter. Criteria: CeGaT Center For Human Genetics Tuebingen Variant Classification Criteria Version 2. Collection method: clinical testing. Allele origin: germline. Affected: yes. Observed: 1 variant allele.
Comment: ATP2B3: BS2

Ambry Genetics
Classification: Likely benign for Inborn genetic diseases. Last evaluated: 2022-09-06. Review status: criteria provided, single submitter. Criteria: Ambry Variant Classification Scheme 2023. Collection method: clinical testing. Allele origin: germline.